The following is an entry in ClinVar:

NM_145239.3(PRRT2):c.885del (p.Asn296fs)

Genes: MVP-DT (MVP divergent transcript; minus strand), PRRT2 (proline rich transmembrane protein 2; plus strand). Cytogenetic location: 16p11.2.
Variant type: Deletion.
Coding change: c.885del on transcript NM_145239.3 (MANE Select); coding-DNA position 885, one base deleted (G; older notation c.885delG).
Protein change: p.Asn296fs; shifts the reading frame from asparagine 296.
Molecular consequence: frameshift variant. On other transcripts: 3 prime UTR variant (1).
Genome position (GRCh38, 1-based): chr16:29,814,338, G deleted; the last of 2 consecutive G bases (chr16:29,814,337-29,814,338); deleting either gives the same sequence. VCF-style (leftmost placement, unchanged base first): chr16-29814336-CG-C. GRCh37 (hg19) VCF-style: chr16-29825657-CG-C.
Other names: c.885del, p.Asn296fs (NM_001256442.2); c.*384del (NM_001256443.2); short protein forms N296fs.
Identifiers: ClinVar variation 2035595 (VCV002035595.4), dbSNP rs2543338795, ClinGen allele CA2580091514.
Genomic context (GRCh38, chr16:29,814,336, plus strand): 5'-CTGGGCTGGCTTCTCCTGACCCCGGCTATGTGCCTCCACCCCTCGCCCTAACCCCAGTCC[CG>C]GAACAGCCTGCAGCAGGGGGACGTGGACGGGGCCCAGCGTCTGGGCCGGGTAGCCAAGCT-3'

ClinVar aggregate classification (germline): Pathogenic (1 of 4 stars; one submission).

Conditions:
Episodic kinesigenic dyskinesia (EKD). Also called: Paroxysmal kinesigenic dyskinesia. Identifiers: Orphanet 98809, MedGen C1868682, MONDO:0044202.

Submission:

Labcorp Genetics (formerly Invitae), Labcorp
Classification: Pathogenic for Episodic kinesigenic dyskinesia. Last evaluated: 2022-10-31. Review status: criteria provided, single submitter. Criteria: Invitae Variant Classification Sherloc (09022015). Collection method: clinical testing. Allele origin: germline.
Comment: This sequence change creates a premature translational stop signal (p.Asn296Thrfs*17) in the PRRT2 gene. It is expected to result in an absent or disrupted protein product. Loss-of-function variants in PRRT2 are known to be pathogenic (PMID: 22623405, 22744660). This variant is not present in population databases (gnomAD no frequency). This variant has not been reported in the literature in individuals affected with PRRT2-related conditions. For these reasons, this variant has been classified as Pathogenic.

Literature cited by the submitters: PubMed 22623405; PubMed 22744660.